The following is an entry in ClinVar:

NM_024741.3(ZNF408):c.1708G>A (p.Glu570Lys)

Gene: ZNF408 (zinc finger protein 408; plus strand). Cytogenetic location: 11p11.2.
Variant type: single nucleotide variant.
Coding change: c.1708G>A on transcript NM_024741.3 (MANE Select); coding-DNA position 1708, G replaced by A.
Protein change: p.Glu570Lys; replaces glutamic acid 570 with lysine.
Molecular consequence: missense variant.
Genome position (GRCh38, 1-based): chr11:46,705,408, G>A. VCF-style: chr11-46705408-G-A. GRCh37 (hg19) VCF-style: chr11-46726958-G-A.
Other names: c.1684G>A, p.Glu562Lys (NM_001184751.2); short protein forms E570K, E562K.
Identifiers: ClinVar variation 634626 (VCV000634626.8), dbSNP rs767306062, ClinGen allele CA5966629.

ClinVar aggregate classification (germline): Uncertain significance. Review status: criteria provided, multiple submitters, no conflicts (2 of 4 stars). 2 submissions from 2 submitters: Uncertain significance (2). Last evaluated 2022-10-16.

Allele frequency attached by ClinVar (database versions not stated): ExAC 0.00001; gnomAD exomes 0.00001; TOPMed 0.00001.

Submissions (2):

Labcorp Genetics (formerly Invitae), Labcorp
Classification: Uncertain significance. Last evaluated: 2022-10-16. Review status: criteria provided, single submitter. Criteria: Invitae Variant Classification Sherloc (09022015). Collection method: clinical testing. Allele origin: germline.
Comment: In summary, the available evidence is currently insufficient to determine the role of this variant in disease. Therefore, it has been classified as a Variant of Uncertain Significance. Algorithms developed to predict the effect of missense changes on protein structure and function are either unavailable or do not agree on the potential impact of this missense change (SIFT: "Deleterious"; PolyPhen-2: "Probably Damaging"; Align-GVGD: "Class C0"). ClinVar contains an entry for this variant (Variation ID: 634626). This variant has not been reported in the literature in individuals affected with ZNF408-related conditions. This variant is present in population databases (rs767306062, gnomAD 0.01%). This sequence change replaces glutamic acid, which is acidic and polar, with lysine, which is basic and polar, at codon 570 of the ZNF408 protein (p.Glu570Lys).

Genomic Research Center, Shahid Beheshti University of Medical Sciences
Classification: Uncertain significance. Last evaluated: 2019-01-01. Review status: criteria provided, single submitter. Criteria: ACMG Guidelines, 2015. Collection method: clinical testing. Allele origin: unknown. Affected: yes. Observed: 1 variant allele.